The following is an entry in ClinVar:

ClinVar aggregate classification (germline): Uncertain significance (1 of 4 stars; one submission).

Conditions:
Familial cancer of breast. Also called: BREAST CANCER, FAMILIAL; Hereditary breast cancer; hereditary breast carcinoma. Identifiers: Orphanet 227535, MedGen C0346153, MONDO:0016419, OMIM 114480. Disease mechanism: loss of function.
Fanconi anemia complementation group J. Also called: BRIP1-Related Fanconi Anemia. Identifiers: Orphanet 84, MedGen C1836860, MONDO:0012187, OMIM 609054.

Submission:

Labcorp Genetics (formerly Invitae), Labcorp
Classification: Uncertain significance for Familial cancer of breast; Fanconi anemia complementation group J. Last evaluated: 2025-02-18. Review status: criteria provided, single submitter. Criteria: Invitae Variant Classification Sherloc (09022015). Collection method: clinical testing. Allele origin: germline.
Comment: This sequence change replaces aspartic acid, which is acidic and polar, with tyrosine, which is neutral and polar, at codon 382 of the BRIP1 protein (p.Asp382Tyr). This variant is not present in population databases (gnomAD no frequency). This variant has not been reported in the literature in individuals affected with BRIP1-related conditions. ClinVar contains an entry for this variant (Variation ID: 2128670). Invitae Evidence Modeling of protein sequence and biophysical properties (such as structural, functional, and spatial information, amino acid conservation, physicochemical variation, residue mobility, and thermodynamic stability) has been performed for this missense variant. However, the output from this modeling did not meet the statistical confidence thresholds required to predict the impact of this variant on BRIP1 protein function. In summary, the available evidence is currently insufficient to determine the role of this variant in disease. Therefore, it has been classified as a Variant of Uncertain Significance.

NM_032043.3(BRIP1):c.1144G>T (p.Asp382Tyr)

Gene: BRIP1 (BRCA1 interacting DNA helicase 1; minus strand). Cytogenetic location: 17q23.2.
Variant type: single nucleotide variant.
Coding change: c.1144G>T on transcript NM_032043.3 (MANE Select); coding-DNA position 1144, G replaced by T.
Protein change: p.Asp382Tyr; replaces aspartic acid 382 with tyrosine.
Molecular consequence: missense variant.
Genome position (GRCh38, 1-based): chr17:61,799,296, C>A on the plus strand (G>T on the coding strand, the complement: BRIP1 is on the minus strand). VCF-style: chr17-61799296-C-A. GRCh37 (hg19) VCF-style: chr17-59876657-C-A.
Other names: short protein forms D382Y.
Identifiers: ClinVar variation 2128670 (VCV002128670.4), dbSNP rs1452168198, ClinGen allele CA400483827.